The following is an entry in ClinVar:

NM_001605.3(AARS1):c.848T>C (p.Val283Ala)

Gene: AARS1 (alanyl-tRNA synthetase 1; minus strand). Cytogenetic location: 16q22.1.
Variant type: single nucleotide variant.
Coding change: c.848T>C on transcript NM_001605.3 (MANE Select); coding-DNA position 848, T replaced by C.
Protein change: p.Val283Ala; replaces valine 283 with alanine.
Molecular consequence: missense variant.
Genome position (GRCh38, 1-based): chr16:70,269,732, A>G on the plus strand (T>C on the coding strand, the complement: AARS1 is on the minus strand). VCF-style: chr16-70269732-A-G. GRCh37 (hg19) VCF-style: chr16-70303635-A-G.
Other names: short protein forms V283A.
Identifiers: ClinVar variation 949720 (VCV000949720.6), dbSNP rs761545263, ClinGen allele CA8141011.
Genomic context (GRCh38, chr16:70,269,732, plus strand): 5'-CGAGCGTGGTCAGCCAGCACCCGGTAGGCCATGTCAATCCCATCGGCATCCTCAGCACCA[A>G]CTTTCCCAGTGTATGGTCGGGCACCTGTGCCCTATAGATAAGAATCAGGAGGCAGCCCTT-3'
Protein context (NP_001596.2, residues 273-293): GTGARPYTGK[Val283Ala]GAEDADGIDM

ClinVar aggregate classification (germline): Uncertain significance. Review status: criteria provided, multiple submitters, no conflicts (2 of 4 stars). 2 submissions from 2 submitters: Uncertain significance (2). Last evaluated 2025-08-28.

Conditions:
Inborn genetic diseases. Identifiers: MedGen C0950123, MeSH D030342.
Charcot-Marie-Tooth disease type 2. Also called: Charcot-Marie-Tooth type 2. Identifiers: Orphanet 64746, MedGen C0270914, MONDO:0018993.

Allele frequency attached by ClinVar (database versions not stated): gnomAD exomes 0.00002 and below 0.00001; TOPMed below 0.00001; gnomAD 0.00001; ExAC 0.00002.
gnomAD v4.1: 7 of 1,614,000 alleles (0.00043%); highest among the groups gnomAD compares: Non-Finnish European, 0.00051%; no homozygotes.

Submissions (2):

Ambry Genetics
Classification: Uncertain significance for Inborn genetic diseases. Last evaluated: 2025-08-28. Review status: criteria provided, single submitter. Criteria: Ambry Variant Classification Scheme 2023. Collection method: clinical testing. Allele origin: germline.

Labcorp Genetics (formerly Invitae), Labcorp
Classification: Uncertain significance for Charcot-Marie-Tooth disease type 2. Last evaluated: 2024-10-24. Review status: criteria provided, single submitter. Criteria: Invitae Variant Classification Sherloc (09022015). Collection method: clinical testing. Allele origin: germline.
Comment: This sequence change replaces valine, which is neutral and non-polar, with alanine, which is neutral and non-polar, at codon 283 of the AARS protein (p.Val283Ala). The frequency data for this variant in the population databases is considered unreliable, as metrics indicate poor data quality at this position in the gnomAD database. This variant has not been reported in the literature in individuals affected with AARS-related conditions. ClinVar contains an entry for this variant (Variation ID: 949720). An algorithm developed to predict the effect of missense changes on protein structure and function (PolyPhen-2) suggests that this variant is likely to be disruptive. In summary, the available evidence is currently insufficient to determine the role of this variant in disease. Therefore, it has been classified as a Variant of Uncertain Significance.